The following is an entry in ClinVar:

ClinVar aggregate classification (germline): Pathogenic (1 of 4 stars; one submission).

Submission:

Labcorp Genetics (formerly Invitae), Labcorp
Classification: Pathogenic. Last evaluated: 2022-07-03. Review status: criteria provided, single submitter. Criteria: Invitae Variant Classification Sherloc (09022015). Collection method: clinical testing. Allele origin: germline.
Comment: This sequence change creates a premature translational stop signal (p.Asn574Lysfs*3) in the LAMC2 gene. It is expected to result in an absent or disrupted protein product. Loss-of-function variants in LAMC2 are known to be pathogenic (PMID: 11907499, 16473856). This variant is not present in population databases (gnomAD no frequency). This variant has not been reported in the literature in individuals affected with LAMC2-related conditions. For these reasons, this variant has been classified as Pathogenic.

Literature cited by the submitters: PubMed 11907499; PubMed 16473856.

NM_005562.3(LAMC2):c.1721dup (p.Asn574fs)

Gene: LAMC2 (laminin subunit gamma 2; plus strand). Cytogenetic location: 1q25.3.
Variant type: Duplication.
Coding change: c.1721dup on transcript NM_005562.3 (MANE Select); coding-DNA position 1721, one base duplicated (A; older notation c.1721dupA).
Protein change: p.Asn574fs; shifts the reading frame from asparagine 574.
Molecular consequence: frameshift variant.
Genome position (GRCh38, 1-based): chr1:183,230,967, A duplicated; the last of 2 consecutive A bases (chr1:183,230,966-183,230,967); duplicating either gives the same sequence. VCF-style (leftmost placement, unchanged base first): chr1-183230965-C-CA. GRCh37 (hg19) VCF-style: chr1-183200100-C-CA.
Other names: c.1721dup, p.Asn574fs (NM_018891.3); short protein forms N574fs.
Identifiers: ClinVar variation 2003331 (VCV002003331.4), dbSNP rs1465656842, ClinGen allele CA892165008.